The following is an entry in ClinVar:

ClinVar aggregate classification (germline): Likely benign. Review status: criteria provided, multiple submitters, no conflicts (2 of 4 stars). 3 submissions from 3 submitters: Likely benign (3). Last evaluated 2022-05-19.

Conditions:
Acute myeloid leukemia (AML). Also called: Leukemia, acute myeloid, somatic; Leukemia, acute myelogenous, somatic; Acute myeloid leukemia, adult; AML adult; Acute non-lymphocytic leukemia; Acute granulocytic leukemia. Identifiers: Orphanet 519, MedGen C0023467, MeSH D015470, MONDO:0018874, OMIM 601626, HP:0004808. Disease mechanism: Constitutively activated FLT3.
Dyskeratosis congenita, autosomal dominant 2. Identifiers: MedGen C3151443, MONDO:0013521, OMIM 613989.
Pulmonary fibrosis and/or bone marrow failure, Telomere-related, 1. Also called: PULMONARY FIBROSIS AND/OR BONE MARROW FAILURE SYNDROME, TELOMERE-RELATED, 1. Identifiers: Orphanet 88, MedGen C3553617, MONDO:0013878, OMIM 614742.
Melanoma, cutaneous malignant, susceptibility to, 9. Also called: Cutaneous malignant melanoma 9. Identifiers: Orphanet 618, MedGen C3554574, MONDO:0014056, OMIM 615134.
Dyskeratosis congenita. Identifiers: Orphanet 1775, MedGen C0265965, MONDO:0015780.
Idiopathic Pulmonary Fibrosis. Also called: Idiopathic fibrosing alveolitis, chronic form; idiopathic fibrosing alveolitis. Identifiers: Orphanet 2032, MedGen C1800706, MeSH D054990, MONDO:0800504.

gnomAD v4.1: 4 of 1,552,192 alleles (0.00026%); highest among the groups gnomAD compares: South Asian, 0.0047%; no homozygotes.

Submissions (3):

Labcorp Genetics (formerly Invitae), Labcorp
Classification: Likely benign for Dyskeratosis congenita, autosomal dominant 2; Idiopathic Pulmonary Fibrosis. Last evaluated: 2022-05-19. Review status: criteria provided, single submitter. Criteria: Invitae Variant Classification Sherloc (09022015). Collection method: clinical testing. Allele origin: germline.

Ambry Genetics
Classification: Likely benign for Dyskeratosis congenita. Last evaluated: 2020-09-14. Review status: criteria provided, single submitter. Criteria: Ambry Variant Classification Scheme 2023. Collection method: clinical testing. Allele origin: germline.

Center for Genomics, Ann and Robert H. Lurie Children's Hospital of Chicago
Classification: Likely benign for Dyskeratosis congenita, autosomal dominant 2; Melanoma, cutaneous malignant, susceptibility to, 9; Pulmonary fibrosis and/or bone marrow failure, Telomere-related, 1; Acute myeloid leukemia. Review status: criteria provided, single submitter. Criteria: ACMG Guidelines, 2015. Collection method: clinical testing. Allele origin: germline.
Comment: This variant has not been reported in the literature and is not present in large control databases. This variant is present in ClinVar (Variation ID: 1670589). This is a silent variant and does not change the amino acid and is not predicted to impact splicing; additionally, this nucleotide position is not well-conserved evolutionarily, reducing the probability that this variant is disease-causing. In summary, data on this variant suggests that this variant does not cause disease but requires further evidence. Therefore, this variant is classified as likely benign

NM_198253.3(TERT):c.2007G>A (p.Arg669=)

Gene: TERT (telomerase reverse transcriptase; minus strand). Cytogenetic location: 5p15.33.
Variant type: single nucleotide variant.
Coding change: c.2007G>A on transcript NM_198253.3 (MANE Select); coding-DNA position 2007, G replaced by A.
Protein change: p.Arg669=; no amino-acid change (arginine 669 retained).
Molecular consequence: synonymous variant. On other transcripts: non-coding transcript variant (2).
Genome position (GRCh38, 1-based): chr5:1,279,414, C>T on the plus strand (G>A on the coding strand, the complement: TERT is on the minus strand). VCF-style: chr5-1279414-C-T. GRCh37 (hg19) VCF-style: chr5-1279529-C-T.
Other names: c.2007G>A, p.Arg669= (NM_001193376.3).
Identifiers: ClinVar variation 1670589 (VCV001670589.12), dbSNP rs1060504788, ClinGen allele CA443025145.
Genomic context (GRCh38, chr5:1,279,414, plus strand): 5'-GGCCCTGTGGATATCGTCCAGGCCCAGCACAGAGGCGCCCAGGAGGCCGGGGCGCCGCGC[C>T]CGCTCGTAGTTGAGCACGCTGAACAGTGCCTTCACCCTCGAGGTGAGACGCTCGGCCTGG-3'
Protein context (NP_937983.2, residues 659-679): KALFSVLNYE[Arg669=]ARRPGLLGAS